The following is an entry in ClinVar:

NM_000051.4(ATM):c.2884C>T (p.Pro962Ser)

Gene: ATM (ATM serine/threonine kinase; plus strand). Cytogenetic location: 11q22.3.
Variant type: single nucleotide variant.
Coding change: c.2884C>T on transcript NM_000051.4 (MANE Select); coding-DNA position 2884, C replaced by T.
Protein change: p.Pro962Ser; replaces proline 962 with serine.
Molecular consequence: missense variant.
Genome position (GRCh38, 1-based): chr11:108,271,109, C>T. VCF-style: chr11-108271109-C-T. GRCh37 (hg19) VCF-style: chr11-108141836-C-T.
Other names: c.2884C>T, p.Pro962Ser (NM_001351834.2); short protein forms P962S.
Identifiers: ClinVar variation 1035458 (VCV001035458.8), dbSNP rs1377928885, ClinGen allele CA382546866.

ClinVar aggregate classification (germline): Uncertain significance (1 of 4 stars; one submission).

Conditions:
Ataxia-telangiectasia syndrome (AT). Also called: Ataxia-telangiectasia, complementation group D; ATAXIA-TELANGIECTASIA, COMPLEMENTATION GROUP A; ATAXIA-TELANGIECTASIA, FRESNO VARIANT; Ataxia-telangiectasia; Ataxia-telangiectasia, complementation group E; LOUIS-BAR SYNDROME. Identifiers: Orphanet 100, MedGen C0004135, MONDO:0008840, OMIM 208900.

Submission:

Labcorp Genetics (formerly Invitae), Labcorp
Classification: Uncertain significance for Ataxia-telangiectasia syndrome. Last evaluated: 2025-08-17. Review status: criteria provided, single submitter. Criteria: Invitae Variant Classification Sherloc (09022015). Collection method: clinical testing. Allele origin: germline.
Comment: This sequence change replaces proline, which is neutral and non-polar, with serine, which is neutral and polar, at codon 962 of the ATM protein (p.Pro962Ser). This variant is not present in population databases (gnomAD no frequency). This variant has not been reported in the literature in individuals affected with ATM-related conditions. ClinVar contains an entry for this variant (Variation ID: 1035458). Invitae Evidence Modeling of protein sequence and biophysical properties (such as structural, functional, and spatial information, amino acid conservation, physicochemical variation, residue mobility, and thermodynamic stability) indicates that this missense variant is not expected to disrupt ATM protein function with a negative predictive value of 95%. In summary, the available evidence is currently insufficient to determine the role of this variant in disease. Therefore, it has been classified as a Variant of Uncertain Significance.